The following is an entry in ClinVar:

ClinVar aggregate classification (germline): Uncertain significance. Review status: criteria provided, multiple submitters, no conflicts (2 of 4 stars). 7 submissions from 6 submitters: Uncertain significance (5). 2 of the submissions do not count toward it. Last evaluated 2025-01-13.

Conditions:
Retinitis pigmentosa 39 (RP39). Identifiers: Orphanet 791, MedGen C3151138, MONDO:0013436, OMIM 613809.
USH2A-related disorder. Also called: USH2A-related condition; USH2A-related disorders. Identifiers: MedGen CN239332.
Usher syndrome type 2A. Also called: RETINAL DISEASE IN USHER SYNDROME TYPE IIA, MODIFIER OF; USHER SYNDROME, TYPE IIA. Identifiers: Orphanet 231178, Orphanet 886, MedGen C1848634, MONDO:0010169, OMIM 276901.

Submissions (7):

Labcorp Genetics (formerly Invitae), Labcorp
Classification: Uncertain significance. Last evaluated: 2025-01-13. Review status: criteria provided, single submitter. Criteria: Invitae Variant Classification Sherloc (09022015). Collection method: clinical testing. Allele origin: germline.
Comment: This sequence change falls in intron 44 of the USH2A gene. It does not directly change the encoded amino acid sequence of the USH2A protein. It affects a nucleotide within the consensus splice site. This variant is present in population databases (rs541344995, gnomAD 0.2%). This variant has been observed in individual(s) with retinitis pigmentosa (PMID: 36819107). ClinVar contains an entry for this variant (Variation ID: 229628). Variants that disrupt the consensus splice site are a relatively common cause of aberrant splicing (PMID: 17576681, 9536098). Algorithms developed to predict the effect of sequence changes on RNA splicing suggest that this variant may create or strengthen a splice site. In summary, the available evidence is currently insufficient to determine the role of this variant in disease. Therefore, it has been classified as a Variant of Uncertain Significance.

Blueprint Genetics
Classification: Uncertain significance. Last evaluated: 2024-03-09. Review status: criteria provided, single submitter. Criteria: ACMG Guidelines, 2015. Collection method: clinical testing. Allele origin: germline.

Genome-Nilou Lab
Classification: Uncertain significance for Retinitis pigmentosa 39. Last evaluated: 2023-04-11. Review status: criteria provided, single submitter. Criteria: ACMG Guidelines, 2015. Collection method: clinical testing. Allele origin: germline. Affected: no.

Genome-Nilou Lab
Classification: Uncertain significance for Usher syndrome type 2A. Last evaluated: 2023-04-11. Review status: criteria provided, single submitter. Criteria: ACMG Guidelines, 2015. Collection method: clinical testing. Allele origin: germline. Affected: no.

Laboratory for Molecular Medicine, Mass General Brigham Personalized Medicine
Classification: Uncertain significance. Last evaluated: 2015-02-26. Review status: criteria provided, single submitter. Criteria: LMM Criteria. Collection method: clinical testing. Allele origin: germline. Observed: 1 variant allele.
Comment: Variant classified as Uncertain Significance - Favor Benign. The c.8845+6_8845+9 delTAAG variant in USH2A has not been previously reported in individuals with he aring loss. This variant has been identified in 0.2% (16/10578) of African chro mosomes by the Exome Aggregation Consortium (ExAC, g; dbSNP rs541344995). Although this variant has been seen in the general popul ation, its frequency is not high enough to rule out a pathogenic role. This vari ant is located in the 5' splice region. Computational tools do not suggest an im pact to splicing at the native 5' donor splice site. However, this information i s not predictive enough to rule out pathogenicity. In summary, while the clinica l significance of the c.8845+6_8845+9delTAAG variant is uncertain, the frequency data suggest that it is more likely to be benign.

PreventionGenetics, part of Exact Sciences
Classification: Likely benign for USH2A-related condition. Last evaluated: 2024-03-18. Review status: no assertion criteria provided. Collection method: clinical testing. Allele origin: germline. Not counted in ClinVar's aggregate classification.
Comment: This variant is classified as likely benign based on ACMG/AMP sequence variant interpretation guidelines (Richards et al. 2015 PMID: 25741868, with internal and published modifications).

Natera, Inc.
Classification: Uncertain significance for Usher syndrome type 2A. Last evaluated: 2020-01-17. Review status: no assertion criteria provided. Collection method: clinical testing. Allele origin: germline. Not counted in ClinVar's aggregate classification.

Literature cited by the submitters: PubMed 36819107 (cited by Labcorp Genetics (formerly Invitae), Labcorp); PubMed 17576681 (cited by Labcorp Genetics (formerly Invitae), Labcorp); PubMed 9536098 (cited by Labcorp Genetics (formerly Invitae), Labcorp).

NM_206933.4(USH2A):c.8845+6_8845+9del

Gene: USH2A (usherin; minus strand). Cytogenetic location: 1q41.
Variant type: Microsatellite.
Coding change: c.8845+6_8845+9del on transcript NM_206933.4 (MANE Select); bases 6 to 9 of the intron after coding-DNA position 8845, 4 bases deleted (TAAG; older notation c.8845+6_8845+9delTAAG).
Molecular consequence: splice donor variant.
Genome position (GRCh38, 1-based): chr1:215,866,998-215,867,001, CTTA deleted on the plus strand (TAAG on the coding strand, the reverse complement: USH2A is on the minus strand); deleting any 4 consecutive bases within chr1:215,866,998-215,867,008 gives the same sequence; the c. name uses the placement nearest the transcript's 3' end. VCF-style (leftmost placement, unchanged base first): chr1-215866997-GCTTA-G. GRCh37 (hg19) VCF-style: chr1-216040339-GCTTA-G.
Other names: c.8845+6_8845+9delTAAG (NM_206933.3); c.8845+6_8845+9del (NM_206933.2).
Identifiers: ClinVar variation 229628 (VCV000229628.13), dbSNP rs541344995, ClinGen allele CA1394490.